The following is an entry in ClinVar:

ClinVar aggregate classification (germline): Uncertain significance (1 of 4 stars; one submission).

Conditions:
Familial thoracic aortic aneurysm and aortic dissection (TAAD). Also called: Thoracic aortic aneurysms and dissections. Identifiers: Orphanet 91387, MedGen C4707243, MONDO:0019625.

Allele frequency attached by ClinVar (database versions not stated): TOPMed 0.00001.

Submission:

Ambry Genetics
Classification: Uncertain significance for Familial thoracic aortic aneurysm and aortic dissection. Last evaluated: 2020-11-20. Review status: criteria provided, single submitter. Criteria: Ambry Variant Classification Scheme 2023. Collection method: clinical testing. Allele origin: germline.
Comment: The p.P24T variant (also known as c.70C>A), located in coding exon 1 of the PLOD1 gene, results from a C to A substitution at nucleotide position 70. The proline at codon 24 is replaced by threonine, an amino acid with highly similar properties. This amino acid position is well conserved in available vertebrate species. In addition, this alteration is predicted to be tolerated by in silico analysis. Since supporting evidence is limited at this time, the clinical significance of this alteration remains unclear.

NM_000302.4(PLOD1):c.70C>A (p.Pro24Thr)

Gene: PLOD1 (procollagen-lysine,2-oxoglutarate 5-dioxygenase 1; plus strand). Cytogenetic location: 1p36.22.
Variant type: single nucleotide variant.
Coding change: c.70C>A on transcript NM_000302.4 (MANE Select); coding-DNA position 70, C replaced by A.
Protein change: p.Pro24Thr; replaces proline 24 with threonine.
Molecular consequence: missense variant.
Genome position (GRCh38, 1-based): chr1:11,934,849, C>A. VCF-style: chr1-11934849-C-A. GRCh37 (hg19) VCF-style: chr1-11994906-C-A.
Other names: c.70C>A, p.Pro24Thr (NM_001316320.2); short protein forms P24T.
Identifiers: ClinVar variation 1757159 (VCV001757159.2), dbSNP rs1395571164, ClinGen allele CA338422863.